The following is an entry in ClinVar:

NM_006721.4(ADK):c.*740C>T

Gene: ADK (adenosine kinase; plus strand). Cytogenetic location: 10q22.2.
Variant type: single nucleotide variant.
Coding change: c.*740C>T on transcript NM_006721.4 (MANE Select); 740 bases downstream of the stop codon, C replaced by T.
Molecular consequence: 3 prime UTR variant.
Genome position (GRCh38, 1-based): chr10:74,709,185, C>T. VCF-style: chr10-74709185-C-T. GRCh37 (hg19) VCF-style: chr10-76468943-C-T.
Other names: c.*740C>T (NM_001123.4, NM_001202449.2, NM_001202450.2 and 1 more transcripts); c.*829C>T (NM_001369123.1).
Identifiers: ClinVar variation 300848 (VCV000300848.5), dbSNP rs150465356, ClinGen allele CA10629065.

ClinVar aggregate classification (germline): Likely benign (1 of 4 stars; one submission).

Conditions:
Adenosine kinase deficiency. Also called: Hypermethioninemia due to adenosine kinase deficiency; MENTAL RETARDATION, AUTOSOMAL RECESSIVE 8. Identifiers: Orphanet 289290, Orphanet 88616, MedGen C4706555, MONDO:0100255, OMIM 614300.

Allele frequency attached by ClinVar (database versions not stated): gnomAD 0.00276 and 0.00305; TOPMed 0.00292; 1000 Genomes Project 0.00359; 1000 Genomes Project 30x 0.00390.

Submission:

Illumina Laboratory Services, Illumina
Classification: Likely benign for Adenosine kinase deficiency. Last evaluated: 2018-01-12. Review status: criteria provided, single submitter. Criteria: ICSL Variant Classification Criteria 13 December 2019. Collection method: clinical testing. Allele origin: germline.
Comment: This variant was observed in the ICSL laboratory as part of a predisposition screen in an ostensibly healthy population. It had not been previously curated by ICSL or reported in the Human Gene Mutation Database (HGMD: prior to June 1st, 2018), and was therefore a candidate for classification through an automated scoring system. Utilizing variant allele frequency, disease prevalence and penetrance estimates, and inheritance mode, an automated score was calculated to assess if this variant is too frequent to cause the disease. Based on the score and internal cut-off values, a variant classified as likely benign is not then subjected to further curation. The score for this variant resulted in a classification of likely benign for this disease.